The following is an entry in ClinVar:

ClinVar aggregate classification (germline): Uncertain significance (1 of 4 stars; one submission).

Submission:

Labcorp Genetics (formerly Invitae), Labcorp
Classification: Uncertain significance. Last evaluated: 2023-02-24. Review status: criteria provided, single submitter. Criteria: Invitae Variant Classification Sherloc (09022015). Collection method: clinical testing. Allele origin: germline.
Comment: This sequence change replaces glycine, which is neutral and non-polar, with serine, which is neutral and polar, at codon 3738 of the HMCN1 protein (p.Gly3738Ser). In summary, the available evidence is currently insufficient to determine the role of this variant in disease. Therefore, it has been classified as a Variant of Uncertain Significance. An algorithm developed to predict the effect of missense changes on protein structure and function (PolyPhen-2) suggests that this variant is likely to be disruptive. This variant is not present in population databases (gnomAD no frequency). This variant has not been reported in the literature in individuals affected with HMCN1-related conditions.

NM_031935.3(HMCN1):c.11212G>A (p.Gly3738Ser)

Gene: HMCN1 (hemicentin 1; plus strand). Cytogenetic location: 1q31.1.
Variant type: single nucleotide variant.
Coding change: c.11212G>A on transcript NM_031935.3 (MANE Select); coding-DNA position 11212, G replaced by A.
Protein change: p.Gly3738Ser; replaces glycine 3738 with serine.
Molecular consequence: missense variant.
Genome position (GRCh38, 1-based): chr1:186,114,059, G>A. VCF-style: chr1-186114059-G-A. GRCh37 (hg19) VCF-style: chr1-186083191-G-A.
Other names: short protein forms G3738S.
Identifiers: ClinVar variation 2840637 (VCV002840637.3), dbSNP rs2528001187, ClinGen allele CA343941758.